The following is an entry in ClinVar:

NM_199242.3(UNC13D):c.1051A>G (p.Met351Val)

Gene: UNC13D (unc-13 homolog D; minus strand). Cytogenetic location: 17q25.1.
Variant type: single nucleotide variant.
Coding change: c.1051A>G on transcript NM_199242.3 (MANE Select); coding-DNA position 1051, A replaced by G.
Protein change: p.Met351Val; replaces methionine 351 with valine.
Molecular consequence: missense variant.
Genome position (GRCh38, 1-based): chr17:75,839,843, T>C on the plus strand (A>G on the coding strand, the complement: UNC13D is on the minus strand). VCF-style: chr17-75839843-T-C. GRCh37 (hg19) VCF-style: chr17-73835924-T-C.
Other names: short protein forms M351V.
Identifiers: ClinVar variation 2160108 (VCV002160108.2), dbSNP rs764934056, ClinGen allele CA8773160.

ClinVar aggregate classification (germline): Uncertain significance. Review status: criteria provided, multiple submitters, no conflicts (2 of 4 stars). 2 submissions from 2 submitters: Uncertain significance (2). Last evaluated 2024-09-10.

Conditions:
Inborn genetic diseases. Identifiers: MedGen C0950123, MeSH D030342.
Familial hemophagocytic lymphohistiocytosis 3 (FHL3). Also called: UNC13D-Related Familial Hemophagocytic Lymphohistiocytosis (UNC13D-fHLH). Identifiers: Orphanet 540, MedGen C1837174, MONDO:0012146, OMIM 608898.

Allele frequency attached by ClinVar (database versions not stated): gnomAD 0.00001; ExAC 0.00003; TOPMed 0.00003.

Submissions (2):

Ambry Genetics
Classification: Uncertain significance for Inborn genetic diseases. Last evaluated: 2024-09-10. Review status: criteria provided, single submitter. Criteria: Ambry Variant Classification Scheme 2023. Collection method: clinical testing. Allele origin: germline.

Labcorp Genetics (formerly Invitae), Labcorp
Classification: Uncertain significance for Familial hemophagocytic lymphohistiocytosis 3. Last evaluated: 2022-05-20. Review status: criteria provided, single submitter. Criteria: Invitae Variant Classification Sherloc (09022015). Collection method: clinical testing. Allele origin: germline.
Comment: This sequence change replaces methionine, which is neutral and non-polar, with valine, which is neutral and non-polar, at codon 351 of the UNC13D protein (p.Met351Val). This variant is present in population databases (rs764934056, gnomAD 0.006%). This variant has not been reported in the literature in individuals affected with UNC13D-related conditions. Algorithms developed to predict the effect of missense changes on protein structure and function are either unavailable or do not agree on the potential impact of this missense change (SIFT: "Not Available"; PolyPhen-2: "Benign"; Align-GVGD: "Not Available"). In summary, the available evidence is currently insufficient to determine the role of this variant in disease. Therefore, it has been classified as a Variant of Uncertain Significance.